The following is an entry in ClinVar:

ClinVar aggregate classification (germline): Uncertain significance. Review status: criteria provided, multiple submitters, no conflicts (2 of 4 stars). 2 submissions from 2 submitters: Uncertain significance (2). Last evaluated 2026-04-20.

Conditions:
Inborn genetic diseases. Identifiers: MedGen C0950123, MeSH D030342.

Allele frequency attached by ClinVar (database versions not stated): ExAC 0.00003; gnomAD exomes 0.00003.
gnomAD v4.1: 52 of 1,611,784 alleles (0.0032%); highest among the groups gnomAD compares: East Asian, 0.02%; no homozygotes.

Submissions (2):

GeneDx
Classification: Uncertain significance. Last evaluated: 2026-04-20. Review status: criteria provided, single submitter. Criteria: GeneDx Variant Classification Process June 2021. Collection method: clinical testing. Allele origin: germline.
Comment: In silico analysis supports that this missense variant has a deleterious effect on protein structure/function; Has not been previously published as pathogenic or benign to our knowledge

Ambry Genetics
Classification: Uncertain significance for Inborn genetic diseases. Last evaluated: 2024-01-30. Review status: criteria provided, single submitter. Criteria: Ambry Variant Classification Scheme 2023. Collection method: clinical testing. Allele origin: germline.

NM_025191.4(EDEM3):c.2338C>T (p.Arg780Trp)

Gene: EDEM3 (ER degradation enhancing alpha-mannosidase like protein 3; minus strand). Cytogenetic location: 1q25.3.
Variant type: single nucleotide variant.
Coding change: c.2338C>T on transcript NM_025191.4 (MANE Select); coding-DNA position 2338, C replaced by T.
Protein change: p.Arg780Trp; replaces arginine 780 with tryptophan.
Molecular consequence: missense variant. On other transcripts: non-coding transcript variant (1).
Genome position (GRCh38, 1-based): chr1:184,702,862, G>A on the plus strand (C>T on the coding strand, the complement: EDEM3 is on the minus strand). VCF-style: chr1-184702862-G-A. GRCh37 (hg19) VCF-style: chr1-184671996-G-A.
Other names: c.2338C>T, p.Arg780Trp (NM_001319960.2); short protein forms R780W.
Identifiers: ClinVar variation 3087181 (VCV003087181.2), dbSNP rs749061615, ClinGen allele CA1287114.
Genomic context (GRCh38, chr1:184,702,862, plus strand): 5'-TACTCTTACCTCGATCTTTTGCTTTATCAGAGAGGAGCACTTCTACCTCCTCATATTCCC[G>A]GATGGCATCCAGTATGATACTTCCTTCTTTGCTGAATAAGAACAGCATGGGGATCTTGAT-3'
Protein context (NP_079467.3, residues 770-790): KEGSIILDAI[Arg780Trp]EYEEVEVLLS